The following is an entry in ClinVar:

NM_007186.6(CEP250):c.2026G>A (p.Ala676Thr)

Genes: CEP250 (centrosomal protein 250; plus strand), CEP250-AS1 (CEP250 antisense RNA 1; minus strand). Cytogenetic location: 20q11.22.
Variant type: single nucleotide variant.
Coding change: c.2026G>A on transcript NM_007186.6 (MANE Select); coding-DNA position 2026, G replaced by A.
Protein change: p.Ala676Thr; replaces alanine 676 with threonine.
Molecular consequence: missense variant.
Genome position (GRCh38, 1-based): chr20:35,478,033, G>A. VCF-style: chr20-35478033-G-A. GRCh37 (hg19) VCF-style: chr20-34065858-G-A.
Other names: c.130G>A, p.Ala44Thr (NM_001318219.1); short protein forms A44T, A676T.
Identifiers: ClinVar variation 1059384 (VCV001059384.9), dbSNP rs1400411505, ClinGen allele CA408766612.

ClinVar aggregate classification (germline): Uncertain significance (1 of 4 stars; one submission).

Allele frequency attached by ClinVar (database versions not stated): gnomAD exomes below 0.00001.
gnomAD v4.1: 3 of 1,614,138 alleles (0.00019%); no homozygotes.

Submission:

Labcorp Genetics (formerly Invitae), Labcorp
Classification: Uncertain significance. Last evaluated: 2023-06-30. Review status: criteria provided, single submitter. Criteria: Invitae Variant Classification Sherloc (09022015). Collection method: clinical testing. Allele origin: germline.
Comment: This variant is present in population databases (no rsID available, gnomAD 0.0009%). This sequence change replaces alanine, which is neutral and non-polar, with threonine, which is neutral and polar, at codon 676 of the CEP250 protein (p.Ala676Thr). This variant has not been reported in the literature in individuals affected with CEP250-related conditions. In summary, the available evidence is currently insufficient to determine the role of this variant in disease. Therefore, it has been classified as a Variant of Uncertain Significance. Algorithms developed to predict the effect of missense changes on protein structure and function output the following: SIFT: "Not Available"; PolyPhen-2: "Benign"; Align-GVGD: "Not Available". The threonine amino acid residue is found in multiple mammalian species, which suggests that this missense change does not adversely affect protein function. ClinVar contains an entry for this variant (Variation ID: 1059384).